The following is an entry in ClinVar:

ClinVar aggregate classification (germline): Likely benign (1 of 4 stars; one submission).

Allele frequency attached by ClinVar (database versions not stated): TOPMed 0.01636; gnomAD 0.01709 and 0.01772; 1000 Genomes Project 0.02316; 1000 Genomes Project 30x 0.02389.
gnomAD v4.1: 2,693 of 152,102 alleles (1.8%); highest among the groups gnomAD compares: South Asian, 4.2%; 24 homozygotes.

Submission:

GeneDx
Classification: Likely benign. Last evaluated: 2018-06-19. Review status: criteria provided, single submitter. Criteria: GeneDx Variant Classification (06012015). Collection method: clinical testing. Allele origin: germline. Affected: yes.
Comment: This variant is considered likely benign or benign based on one or more of the following criteria: it is a conservative change, it occurs at a poorly conserved position in the protein, it is predicted to be benign by multiple in silico algorithms, and/or has population frequency not consistent with disease.

NM_001005242.3(PKP2):c.2168-233G>A

Gene: PKP2 (plakophilin 2; minus strand). Cytogenetic location: 12p11.21.
Variant type: single nucleotide variant.
Coding change: c.2168-233G>A on transcript NM_001005242.3 (MANE Select); 233 bases into the intron before coding-DNA position 2168, G replaced by A.
Molecular consequence: intron variant.
Genome position (GRCh38, 1-based): chr12:32,796,531, C>T on the plus strand (G>A on the coding strand, the complement: PKP2 is on the minus strand). VCF-style: chr12-32796531-C-T. GRCh37 (hg19) VCF-style: chr12-32949465-C-T.
Other names: c.2300-233G>A (NM_004572.4).
Identifiers: ClinVar variation 674192 (VCV000674192.1), dbSNP rs142067942, ClinGen allele CA235218504.